The following is an entry in ClinVar:

NM_000718.4(CACNA1B):c.5506_5515delinsCTGGTACAGCTTA (p.Thr1836_Leu1839delinsLeuValGlnLeuMet)

Gene: CACNA1B (calcium voltage-gated channel subunit alpha1 B; plus strand). Cytogenetic location: 9q34.3.
Variant type: Indel.
Coding change: c.5506_5515delinsCTGGTACAGCTTA on transcript NM_000718.4 (MANE Select); coding-DNA positions 5506 to 5515, ACTTTGGACT replaced by CTGGTACAGCTTA.
Protein change: p.Thr1836_Leu1839delinsLeuValGlnLeuMet.
Molecular consequence: inframe indel.
Genome position (GRCh38, 1-based): chr9:138,112,475-138,112,484, ACTTTGGACT replaced by CTGGTACAGCTTA. VCF-style: chr9-138112475-ACTTTGGACT-CTGGTACAGCTTA. GRCh37 (hg19) VCF-style: chr9-141006927-ACTTTGGACT-CTGGTACAGCTTA.
Other names: p.T1836_L1839delinsLVQLM; c.5506_5515delinsCTGGTACAGCTTA, p.Thr1836_Leu1839delinsLeuValGlnLeuMet (NM_001243812.2); c.5506_5515delACTTTGGACTinsCTGGTACAGCTTA (NM_000718.3).
Identifiers: ClinVar variation 2582646 (VCV002582646.4), dbSNP rs2539590616, ClinGen allele CA2582342669.

ClinVar aggregate classification (germline): Uncertain significance. Review status: criteria provided, multiple submitters, no conflicts (2 of 4 stars). 3 submissions from 3 submitters: Uncertain significance (2). 1 of the submissions does not count toward it. Last evaluated 2026-03-13.

Conditions:
Neurodevelopmental disorder with seizures and nonepileptic hyperkinetic movements. Identifiers: MedGen C5193128, MONDO:0032784, OMIM 618497.

Submissions (3):

Ambry Genetics
Classification: Uncertain significance. Last evaluated: 2026-03-13. Review status: criteria provided, single submitter. Criteria: Ambry Variant Classification Scheme 2023. Collection method: clinical testing. Allele origin: germline.
Comment: The c.5506_5515delACTTTGGACTinsCTGGTACAGCTTA (p.T1836_L1839delinsLVQLM) alteration, located in exon 40 (coding exon 40) of the CACNA1B gene, consists of an in-frame deletion of 10 and insertion of 13 nucleotides from position 5506 to 5515, resulting in the deletion of 4 amino acids at codons 1836 to 1839 and the insertion of 5 other amino acids. This variant was not reported in population-based cohorts in the Genome Aggregation Database (gnomAD). These amino acid positions are highly conserved in available vertebrate species. This variant is predicted to be deleterious by in silico analysis (Choi, 2012). Based on insufficient or conflicting evidence, the clinical significance of this alteration remains unclear.

Baylor Genetics
Classification: Uncertain significance for Neurodevelopmental disorder with seizures and nonepileptic hyperkinetic movements. Last evaluated: 2023-06-02. Review status: criteria provided, single submitter. Criteria: ACMG Guidelines, 2015. Collection method: clinical testing. Allele origin: unknown.

Undiagnosed Diseases Network, NIH
Classification: Uncertain significance for Neurodevelopmental disorder with seizures and nonepileptic hyperkinetic movements. Last evaluated: 2023-08-16. Review status: no assertion criteria provided. Collection method: clinical testing. Allele origin: paternal. Affected: yes. Observed: 1 variant allele, 1 compound heterozygote. Study: Undiagnosed Diseases Network (NIH), UDN. Not counted in ClinVar's aggregate classification.